The following is an entry in ClinVar:

ClinVar aggregate classification (germline): Uncertain significance (0 of 4 stars; one submission).

Conditions:
KIDINS220-related disorder. Also called: KIDINS220-related condition.

Allele frequency attached by ClinVar (database versions not stated): ExAC 0.00002; gnomAD 0.00002; TOPMed 0.00002.
gnomAD v4.1: 59 of 1,614,068 alleles (0.0037%); highest among the groups gnomAD compares: Non-Finnish European, 0.0046%; no homozygotes.

Submission:

PreventionGenetics, part of Exact Sciences
Classification: Uncertain significance for KIDINS220-related condition. Last evaluated: 2024-08-09. Review status: no assertion criteria provided. Collection method: clinical testing. Allele origin: germline.
Comment: The KIDINS220 c.1754T>G variant is predicted to result in the amino acid substitution p.Leu585Trp. To our knowledge, this variant has not been reported in the literature. This variant is reported in 0.0047% of alleles in individuals of European (Non-Finnish) descent in gnomAD. At this time, the clinical significance of this variant is uncertain due to the absence of conclusive functional and genetic evidence.

NM_020738.4(KIDINS220):c.1754T>G (p.Leu585Trp)

Gene: KIDINS220 (kinase D interacting substrate 220; minus strand). Cytogenetic location: 2p25.1.
Variant type: single nucleotide variant.
Coding change: c.1754T>G on transcript NM_020738.4 (MANE Select); coding-DNA position 1754, T replaced by G.
Protein change: p.Leu585Trp; replaces leucine 585 with tryptophan.
Molecular consequence: missense variant. On other transcripts: non-coding transcript variant (2).
Genome position (GRCh38, 1-based): chr2:8,788,680, A>C on the plus strand (T>G on the coding strand, the complement: KIDINS220 is on the minus strand). VCF-style: chr2-8788680-A-C. GRCh37 (hg19) VCF-style: chr2-8928810-A-C.
Other names: c.1757T>G, p.Leu586Trp (NM_001348729.2, NM_001348731.2, NM_001348734.2 and 3 more transcripts); c.1754T>G, p.Leu585Trp (NM_001348732.2, NM_001348735.2, NM_001348738.2 and 3 more transcripts); c.1628T>G, p.Leu543Trp (NM_001348736.2); short protein forms L543W, L585W, L586W.
Identifiers: ClinVar variation 2634775 (VCV002634775.2), dbSNP rs781540261, ClinGen allele CA1520111.